The following is an entry in ClinVar:

ClinVar aggregate classification (germline): Uncertain significance. Review status: criteria provided, multiple submitters, no conflicts (2 of 4 stars). 3 submissions from 3 submitters: Uncertain significance (2). 1 of the submissions does not count toward it. Last evaluated 2023-08-10.

Conditions:
Nephronophthisis 15 (NPHP15). Identifiers: Orphanet 3156, MedGen C3541853, MONDO:0013917, OMIM 614845.
CEP164-related disorder. Also called: CEP164-related condition.
Inborn genetic diseases. Identifiers: MedGen C0950123, MeSH D030342.

Allele frequency attached by ClinVar (database versions not stated): TOPMed 0.00008; 1000 Genomes Project 30x 0.00031; 1000 Genomes Project 0.00040.
gnomAD v4.1: 33 of 1,613,168 alleles (0.002%); highest among the groups gnomAD compares: African/African-American, 0.035%; no homozygotes.

Submissions (3):

Labcorp Genetics (formerly Invitae), Labcorp
Classification: Uncertain significance for Nephronophthisis 15. Last evaluated: 2023-08-10. Review status: criteria provided, single submitter. Criteria: Invitae Variant Classification Sherloc (09022015). Collection method: clinical testing. Allele origin: germline.
Comment: In summary, the available evidence is currently insufficient to determine the role of this variant in disease. Therefore, it has been classified as a Variant of Uncertain Significance. This sequence change replaces glutamic acid, which is acidic and polar, with glutamine, which is neutral and polar, at codon 90 of the CEP164 protein (p.Glu90Gln). This variant is present in population databases (rs148916200, gnomAD 0.04%). This variant has not been reported in the literature in individuals affected with CEP164-related conditions. ClinVar contains an entry for this variant (Variation ID: 2180250). An algorithm developed to predict the effect of missense changes on protein structure and function (PolyPhen-2) suggests that this variant¬†is likely to be tolerated.

Ambry Genetics
Classification: Uncertain significance for Inborn genetic diseases. Last evaluated: 2023-03-27. Review status: criteria provided, single submitter. Criteria: Ambry Variant Classification Scheme 2023. Collection method: clinical testing. Allele origin: germline.

PreventionGenetics, part of Exact Sciences
Classification: Uncertain significance for CEP164-related condition. Last evaluated: 2024-09-04. Review status: no assertion criteria provided. Collection method: clinical testing. Allele origin: germline. Not counted in ClinVar's aggregate classification.
Comment: The CEP164 c.268G>C variant is predicted to result in the amino acid substitution p.Glu90Gln. To our knowledge, this variant has not been reported in the literature. This variant is reported in 0.036% of alleles in individuals of African descent in gnomAD. At this time, the clinical significance of this variant is uncertain due to the absence of conclusive functional and genetic evidence.

NM_014956.5(CEP164):c.268G>C (p.Glu90Gln)

Gene: CEP164 (centrosomal protein 164; plus strand). Cytogenetic location: 11q23.3.
Variant type: single nucleotide variant.
Coding change: c.268G>C on transcript NM_014956.5 (MANE Select); coding-DNA position 268, G replaced by C.
Protein change: p.Glu90Gln; replaces glutamic acid 90 with glutamine.
Molecular consequence: missense variant.
Genome position (GRCh38, 1-based): chr11:117,351,863, G>C. VCF-style: chr11-117351863-G-C. GRCh37 (hg19) VCF-style: chr11-117222579-G-C.
Other names: c.268G>C, p.Glu90Gln (NM_001271933.2); c.268G>C (NM_014956.4); short protein forms E90Q.
Identifiers: ClinVar variation 2180250 (VCV002180250.5), dbSNP rs148916200, ClinGen allele CA6294383.
Genomic context (GRCh38, chr11:117,351,863, plus strand): 5'-GGTGACATTTACTATTTCAACTTCGCCAACGGGCAGTCTATGTGGGACCATCCATGTGAC[G>C]AACACTATCGGAGCTTGGTGATCCAAGAGCGGGCAAAGCTGTCAACTTCTGGGGCCATTA-3'
Protein context (NP_055771.4, residues 80-100): GQSMWDHPCD[Glu90Gln]HYRSLVIQER